The following is an entry in ClinVar:

ClinVar aggregate classification (germline): Uncertain significance (1 of 4 stars; one submission).

Conditions:
CAMSAP1-related condition.

gnomAD v4.1: 42 of 1,612,400 alleles (0.0026%); highest among the groups gnomAD compares: South Asian, 0.0055%; no homozygotes.

Submission:

PreventionGenetics, part of Exact Sciences
Classification: Uncertain significance for CAMSAP1-related condition. Last evaluated: 2026-07-23. Review status: criteria provided, single submitter. Criteria: ACMG Guidelines, 2015. Collection method: clinical testing. Allele origin: germline.
Comment: The CAMSAP1 c.2611G>A variant is predicted to result in the amino acid substitution p.Ala871Thr. To our knowledge, this variant has not been reported in the literature. This variant is reported in 0.0098% of alleles in individuals of South Asian descent in gnomAD. At this time, the clinical significance of this variant is uncertain due to the absence of conclusive functional and genetic evidence.

NM_015447.4(CAMSAP1):c.2611G>A (p.Ala871Thr)

Gene: CAMSAP1 (calmodulin regulated spectrin associated protein 1; minus strand). Cytogenetic location: 9q34.3.
Variant type: single nucleotide variant.
Coding change: c.2611G>A on transcript NM_015447.4 (MANE Select); coding-DNA position 2611, G replaced by A.
Protein change: p.Ala871Thr; replaces alanine 871 with threonine.
Molecular consequence: missense variant.
Genome position (GRCh38, 1-based): chr9:135,822,050, C>T on the plus strand (G>A on the coding strand, the complement: CAMSAP1 is on the minus strand). VCF-style: chr9-135822050-C-T. GRCh37 (hg19) VCF-style: chr9-138713896-C-T.
Other names: c.1777G>A, p.Ala593Thr (NM_001411031.1); c.2644G>A, p.Ala882Thr (NM_001437279.1); c.2179G>A, p.Ala727Thr (NM_001437280.1); c.2014G>A, p.Ala672Thr (NM_001437281.1); short protein forms A727T, A871T, A882T, A672T, A593T.
Identifiers: ClinVar variation 4978749 (VCV004978749.1).